The following is an entry in ClinVar:

ClinVar aggregate classification (germline): Pathogenic (1 of 4 stars; one submission).

Submission:

GeneDx
Classification: Pathogenic. Last evaluated: 2025-03-29. Review status: criteria provided, single submitter. Criteria: GeneDx Variant Classification Process June 2021. Collection method: clinical testing. Allele origin: germline.
Comment: Frameshift variant predicted to result in protein truncation or nonsense mediated decay in a gene for which loss of function is a known mechanism of disease; Not observed at significant frequency in large population cohorts (gnomAD); Has not been previously published as pathogenic or benign to our knowledge

NM_001127222.2(CACNA1A):c.6151_6152insT (p.Pro2051fs)

Gene: CACNA1A (calcium voltage-gated channel subunit alpha1 A; minus strand). Cytogenetic location: 19p13.13.
Variant type: Insertion.
Coding change: c.6151_6152insT on transcript NM_001127222.2 (MANE Select); coding-DNA positions 6151 to 6152, T inserted.
Protein change: p.Pro2051fs; shifts the reading frame from proline 2051.
Molecular consequence: frameshift variant.
Genome position: GRCh38 VCF-style: chr19-13212421-G-GA. GRCh37 (hg19) VCF-style: chr19-13323235-G-GA.
Other names: c.6169_6170insT, p.Pro2057fs (NM_000068.4, NM_023035.3); c.6154_6155insT, p.Pro2052fs (NM_001127221.2); c.6160_6161insT, p.Pro2054fs (NM_001174080.2); short protein forms P2051fs, P2057fs, P2052fs, P2054fs.
Identifiers: ClinVar variation 1810623 (VCV001810623.2), dbSNP rs2512535653, ClinGen allele CA2580096607.
Genomic context (GRCh38, chr19:13,212,421, plus strand): 5'-GGGGAGTTGGGGGACAGAGGCACCTGAGAGTTAGGCTGGCTGTTGGGCATGTCGGTAGGG[G>GA]GGCCTTGTTCCGGACTCCATGTGCCCGTCTTCTGGAACATCTCCTGGGCACGCTGGGTCA-3'